The following is an entry in ClinVar:

ClinVar aggregate classification (germline): Uncertain significance (1 of 4 stars; one submission).

Conditions:
Familial thoracic aortic aneurysm and aortic dissection (TAAD). Also called: Thoracic aortic aneurysms and dissections. Identifiers: Orphanet 91387, MedGen C4707243, MONDO:0019625.

Submission:

Ambry Genetics
Classification: Uncertain significance for Familial thoracic aortic aneurysm and aortic dissection. Last evaluated: 2025-05-27. Review status: criteria provided, single submitter. Criteria: Ambry Variant Classification Scheme 2023. Collection method: clinical testing. Allele origin: germline.
Comment: The p.W342S variant (also known as c.1025G>C), located in coding exon 8 of the ACTA2 gene, results from a G to C substitution at nucleotide position 1025. The tryptophan at codon 342 is replaced by serine, an amino acid with highly dissimilar properties. This amino acid position is conserved. In addition, this alteration is predicted to be deleterious by in silico analysis. Based on the available evidence, the clinical significance of this variant remains unclear.

NM_001613.4(ACTA2):c.1025G>C (p.Trp342Ser)

Genes: ACTA2 (actin alpha 2, smooth muscle; minus strand), ACTA2-AS1 (ACTA2 antisense RNA 1; plus strand). Cytogenetic location: 10q23.31.
Variant type: single nucleotide variant.
Coding change: c.1025G>C on transcript NM_001613.4 (MANE Select); coding-DNA position 1025, G replaced by C.
Protein change: p.Trp342Ser; replaces tryptophan 342 with serine.
Molecular consequence: missense variant. On other transcripts: non-coding transcript variant (1).
Genome position (GRCh38, 1-based): chr10:88,935,332, C>G on the plus strand (G>C on the coding strand, the complement: ACTA2 is on the minus strand). VCF-style: chr10-88935332-C-G. GRCh37 (hg19) VCF-style: chr10-90695089-C-G.
Other names: c.1025G>C, p.Trp342Ser (NM_001141945.3, NM_001320855.2, NM_001406462.1 and 2 more transcripts); c.914G>C, p.Trp305Ser (NM_001406466.1); c.896G>C, p.Trp299Ser (NM_001406467.1, NM_001406468.1, NM_001406469.1); c.833G>C, p.Trp278Ser (NM_001406471.1); short protein forms W305S, W299S, W342S, W278S.
Identifiers: ClinVar variation 4001468 (VCV004001468.1).
Genomic context (GRCh38, chr10:88,935,332, plus strand): 5'-TGTTTGCTGATCCACATCTGCTGGAAGGTGGACAGAGAGGCCAGGATGGAGCCACCGATC[C>G]AGACAGAGTATTTGCGCTCCGGAGGGGCAATGATCTGTCAGTCAAGATGAAAAAGAATGG-3'
Protein context (NP_001604.1, residues 332-352): IAPPERKYSV[Trp342Ser]IGGSILASLS